The following is an entry in ClinVar:

NM_000264.5(PTCH1):c.2797G>C (p.Ala933Pro)

Gene: PTCH1 (patched 1; minus strand). Cytogenetic location: 9q22.32.
Variant type: single nucleotide variant.
Coding change: c.2797G>C on transcript NM_000264.5 (MANE Select); coding-DNA position 2797, G replaced by C.
Protein change: p.Ala933Pro; replaces alanine 933 with proline.
Molecular consequence: missense variant. On other transcripts: non-coding transcript variant (1).
Genome position (GRCh38, 1-based): chr9:95,459,690, C>G on the plus strand (G>C on the coding strand, the complement: PTCH1 is on the minus strand). VCF-style: chr9-95459690-C-G. GRCh37 (hg19) VCF-style: chr9-98221972-C-G.
Other names: c.2599G>C, p.Ala867Pro (NM_001083602.3); c.2794G>C, p.Ala932Pro (NM_001083603.3); c.2344G>C, p.Ala782Pro (NM_001083604.3, NM_001083605.3, NM_001083606.3 and 1 more transcripts); c.2641G>C, p.Ala881Pro (NM_001354918.2); short protein forms A933P, A867P, A881P, A932P, A782P.
Identifiers: ClinVar variation 4146830 (VCV004146830.1).

ClinVar aggregate classification (germline): Uncertain significance (1 of 4 stars; one submission).

Conditions:
Hereditary cancer-predisposing syndrome. Also called: Hereditary neoplastic syndrome; Neoplastic Syndromes, Hereditary; Tumor predisposition; Hereditary Cancer Syndrome. Identifiers: Orphanet 140162, MedGen C0027672, MeSH D009386, MONDO:0015356.

Submission:

Ambry Genetics
Classification: Uncertain significance for Hereditary cancer-predisposing syndrome. Last evaluated: 2025-06-26. Review status: criteria provided, single submitter. Criteria: Ambry Variant Classification Scheme 2023. Collection method: clinical testing. Allele origin: germline.
Comment: The p.A933P variant (also known as c.2797G>C), located in coding exon 17 of the PTCH1 gene, results from a G to C substitution at nucleotide position 2797. The alanine at codon 933 is replaced by proline, an amino acid with highly similar properties. This amino acid position is conserved. In addition, this alteration is predicted to be deleterious by in silico analysis. Based on the available evidence, the clinical significance of this variant remains unclear.